The following is an entry in ClinVar:

NM_002474.3(MYH11):c.3215C>G (p.Ala1072Gly)

Gene: MYH11 (myosin heavy chain 11; minus strand). Cytogenetic location: 16p13.11.
Variant type: single nucleotide variant.
Coding change: c.3215C>G on transcript NM_002474.3 (MANE Select); coding-DNA position 3215, C replaced by G.
Protein change: p.Ala1072Gly; replaces alanine 1072 with glycine.
Molecular consequence: missense variant.
Genome position (GRCh38, 1-based): chr16:15,737,527, G>C on the plus strand (C>G on the coding strand, the complement: MYH11 is on the minus strand). VCF-style: chr16-15737527-G-C. GRCh37 (hg19) VCF-style: chr16-15831384-G-C.
Other names: c.3236C>G, p.Ala1079Gly (NM_001040113.2, NM_001040114.2); c.3215C>G, p.Ala1072Gly (NM_022844.3); short protein forms A1072G, A1079G.
Identifiers: ClinVar variation 3400644 (VCV003400644.1).
Genomic context (GRCh38, chr16:15,737,527, plus strand): 5'-AGCTCCTCCTCCTTCTTGGCCAGCTGCATCTTGAGCTCTGCGATCTGCGCCTGGAGGTCA[G>C]CGATCTGCTCGTGGAAGTCGCTGGCATCACCCTCCAGCTTCCGTTTCAGCTTCTCCAGCT-3'
Protein context (NP_002465.1, residues 1062-1082): GDASDFHEQI[Ala1072Gly]DLQAQIAELK

ClinVar aggregate classification (germline): Uncertain significance (1 of 4 stars; one submission).

Conditions:
Familial thoracic aortic aneurysm and aortic dissection (TAAD). Also called: Thoracic aortic aneurysms and dissections. Identifiers: Orphanet 91387, MedGen C4707243, MONDO:0019625.

gnomAD v4.1: 1 of 1,614,072 alleles (0.000062%); highest among the groups gnomAD compares: South Asian, 0.0011%; no homozygotes.

Submission:

Ambry Genetics
Classification: Uncertain significance for Familial thoracic aortic aneurysm and aortic dissection. Last evaluated: 2024-10-14. Review status: criteria provided, single submitter. Criteria: Ambry Variant Classification Scheme 2023. Collection method: clinical testing. Allele origin: germline.
Comment: The p.A1072G variant (also known as c.3215C>G), located in coding exon 24 of the MYH11 gene, results from a C to G substitution at nucleotide position 3215. The alanine at codon 1072 is replaced by glycine, an amino acid with similar properties. This amino acid position is conserved. In addition, the in silico prediction for this alteration is inconclusive. Based on the available evidence, the clinical significance of this variant remains unclear.